The following is an entry in ClinVar:

NC_000008.11:g.54466866G>A

Genes: SOX17 (SRY-box transcription factor 17; plus strand), LOC100129098 (uncharacterized LOC100129098; minus strand). Cytogenetic location: 8q11.23.
Variant type: single nucleotide variant.
Genome position: GRCh38 VCF-style: chr8-54466866-G-A. GRCh37 (hg19) VCF-style: chr8-55379426-G-A.
Identifiers: ClinVar variation 2658606 (VCV002658606.24), dbSNP rs371218235, ClinGen allele CA177528631.

ClinVar aggregate classification (germline): Benign (1 of 4 stars; one submission).

Allele frequency attached by ClinVar (database versions not stated): 1000 Genomes Project 0.00160; 1000 Genomes Project 30x 0.00203; TOPMed 0.00349; gnomAD 0.00384; gnomAD exomes 0.00475.

Submission:

CeGaT Center for Human Genetics Tuebingen
Classification: Benign. Last evaluated: 2022-08-01. Review status: criteria provided, single submitter. Criteria: CeGaT Center For Human Genetics Tuebingen Variant Classification Criteria Version 2. Collection method: clinical testing. Allele origin: germline. Affected: yes. Observed: 2 variant alleles.
Comment: SOX17: BS1, BS2